The following is an entry in ClinVar:

NM_032730.5(RTN4IP1):c.113C>A (p.Pro38His)

Gene: RTN4IP1 (reticulon 4 interacting protein 1; minus strand). Cytogenetic location: 6q21.
Variant type: single nucleotide variant.
Coding change: c.113C>A on transcript NM_032730.5 (MANE Select); coding-DNA position 113, C replaced by A.
Protein change: p.Pro38His; replaces proline 38 with histidine.
Molecular consequence: missense variant. On other transcripts: intron variant (1).
Genome position (GRCh38, 1-based): chr6:106,628,909, G>T on the plus strand (C>A on the coding strand, the complement: RTN4IP1 is on the minus strand). VCF-style: chr6-106628909-G-T. GRCh37 (hg19) VCF-style: chr6-107076784-G-T.
Other names: c.-27+1418C>A (NM_001318746.1); short protein forms P38H.
Identifiers: ClinVar variation 1501317 (VCV001501317.8), dbSNP rs888483093, ClinGen allele CA145001257.
Genomic context (GRCh38, chr6:106,628,909, plus strand): 5'-CGAAGCACTTCATTCTTCCCATATTTATCTATCACCCAAGCAGGCATGACAGTGCTCCTA[G>T]GAGAGGTAGTACTAATCCTTCTAACTGAAGGCTTTTGGACAACTTTGCTTCTCCAGAAGC-3'
Protein context (NP_116119.2, residues 28-48): PSVRRISTTS[Pro38His]RSTVMPAWVI

ClinVar aggregate classification (germline): Uncertain significance (1 of 4 stars; one submission).

Allele frequency attached by ClinVar (database versions not stated): gnomAD exomes 0.00001.
gnomAD v4.1: 9 of 1,613,872 alleles (0.00056%); highest among the groups gnomAD compares: Non-Finnish European, 0.00076%; no homozygotes.

Submission:

Labcorp Genetics (formerly Invitae), Labcorp
Classification: Uncertain significance. Last evaluated: 2021-06-25. Review status: criteria provided, single submitter. Criteria: Invitae Variant Classification Sherloc (09022015). Collection method: clinical testing. Allele origin: germline.
Comment: This variant has not been reported in the literature in individuals with RTN4IP1-related conditions. This variant is not present in population databases (ExAC no frequency). This sequence change replaces proline with histidine at codon 38 of the RTN4IP1 protein (p.Pro38His). The proline residue is weakly conserved and there is a moderate physicochemical difference between proline and histidine. Algorithms developed to predict the effect of missense changes on protein structure and function (SIFT, PolyPhen-2, Align-GVGD) all suggest that this variant is likely to be tolerated, but these predictions have not been confirmed by published functional studies and their clinical significance is uncertain. In summary, the available evidence is currently insufficient to determine the role of this variant in disease. Therefore, it has been classified as a Variant of Uncertain Significance.